The following is an entry in ClinVar:

ClinVar aggregate classification (germline): Likely benign. Review status: criteria provided, multiple submitters, no conflicts (2 of 4 stars). 2 submissions from 2 submitters: Likely benign (2). Last evaluated 2025-05-23.

Allele frequency attached by ClinVar (database versions not stated): gnomAD exomes below 0.00001 and 0.00001.
gnomAD v4.1: 2 of 1,454,684 alleles (0.00014%); highest among the groups gnomAD compares: Admixed American, 0.005%; no homozygotes.

Submissions (2):

Mayo Clinic Laboratories, Mayo Clinic
Classification: Likely benign. Last evaluated: 2025-05-23. Review status: criteria provided, single submitter. Criteria: ACMG Guidelines, 2015. Collection method: clinical testing. Allele origin: germline. Observed: 1 variant allele.
Comment: BP4, BP7

Labcorp Genetics (formerly Invitae), Labcorp
Classification: Likely benign. Last evaluated: 2022-09-19. Review status: criteria provided, single submitter. Criteria: Invitae Variant Classification Sherloc (09022015). Collection method: clinical testing. Allele origin: germline.

NM_213595.4(ISCU):c.49C>T (p.Leu17=)

Gene: ISCU (iron-sulfur cluster assembly enzyme; plus strand). Cytogenetic location: 12q23.3.
Variant type: single nucleotide variant.
Coding change: c.49C>T on transcript NM_213595.4 (MANE Select); coding-DNA position 49, C replaced by T.
Protein change: p.Leu17=; no amino-acid change (leucine 17 retained).
Molecular consequence: synonymous variant. On other transcripts: 5 prime UTR variant (1), non-coding transcript variant (1).
Genome position (GRCh38, 1-based): chr12:108,562,671, C>T. VCF-style: chr12-108562671-C-T. GRCh37 (hg19) VCF-style: chr12-108956447-C-T.
Other names: p.Leu17=; c.49C>T, p.Leu17= (NM_001301140.1, NM_001301141.1, NM_001320042.1); c.-123C>T (NM_014301.4); c.49C>T (NM_213595.3).
Identifiers: ClinVar variation 1533169 (VCV001533169.9), dbSNP rs746092474, ClinGen allele CA6768710.